The following is an entry in ClinVar:

NM_001005498.4(RHBDF2):c.2008C>T (p.Leu670Phe)

Gene: RHBDF2 (rhomboid 5 homolog 2; minus strand). Cytogenetic location: 17q25.1.
Variant type: single nucleotide variant.
Coding change: c.2008C>T on transcript NM_001005498.4 (MANE Select); coding-DNA position 2008, C replaced by T.
Protein change: p.Leu670Phe; replaces leucine 670 with phenylalanine.
Molecular consequence: missense variant. On other transcripts: non-coding transcript variant (3).
Genome position (GRCh38, 1-based): chr17:76,472,742, G>A on the plus strand (C>T on the coding strand, the complement: RHBDF2 is on the minus strand). VCF-style: chr17-76472742-G-A. GRCh37 (hg19) VCF-style: chr17-74468824-G-A.
Other names: c.2008C>T, p.Leu670Phe (NM_001376228.1, NM_001376229.1, NM_001376230.1); c.2095C>T, p.Leu699Phe (NM_024599.5); short protein forms L699F, L670F.
Identifiers: ClinVar variation 4727823 (VCV004727823.1).

ClinVar aggregate classification (germline): Uncertain significance (1 of 4 stars; one submission).

Submission:

Labcorp Genetics (formerly Invitae), Labcorp
Classification: Uncertain significance. Last evaluated: 2025-09-24. Review status: criteria provided, single submitter. Criteria: Invitae Variant Classification Sherloc (09022015). Collection method: clinical testing. Allele origin: germline.
Comment: This sequence change replaces leucine, which is neutral and non-polar, with phenylalanine, which is neutral and non-polar, at codon 699 of the RHBDF2 protein (p.Leu699Phe). This variant is not present in population databases (gnomAD no frequency). This variant has not been reported in the literature in individuals affected with RHBDF2-related conditions. An algorithm developed to predict the effect of missense changes on protein structure and function (PolyPhen-2) suggests that this variant is likely to be disruptive. In summary, the available evidence is currently insufficient to determine the role of this variant in disease. Therefore, it has been classified as a Variant of Uncertain Significance.